The following is an entry in ClinVar:

NM_003664.5(AP3B1):c.2738del (p.Lys913fs)

Gene: AP3B1 (adaptor related protein complex 3 subunit beta 1; minus strand). Cytogenetic location: 5q14.1.
Variant type: Deletion.
Coding change: c.2738del on transcript NM_003664.5 (MANE Select); coding-DNA position 2738, one base deleted (A; older notation c.2738delA).
Protein change: p.Lys913fs; shifts the reading frame from lysine 913.
Molecular consequence: frameshift variant.
Genome position (GRCh38, 1-based): chr5:78,039,114, T deleted on the plus strand (A on the coding strand, the reverse complement: AP3B1 is on the minus strand); the first of 3 consecutive T bases (chr5:78,039,114-78,039,116); deleting any one gives the same sequence. VCF-style (leftmost placement, unchanged base first): chr5-78039113-CT-C. GRCh37 (hg19) VCF-style: chr5-77334937-CT-C.
Other names: c.2591del, p.Lys864fs (NM_001271769.2); short protein forms K864fs, K913fs.
Identifiers: ClinVar variation 1370969 (VCV001370969.6), dbSNP rs2112100217, ClinGen allele CA2573139962.
Genomic context (GRCh38, chr5:78,039,113, plus strand): 5'-AAAAACATGCATTTTCATGCCTATAGGAAGTTTTTTTTCCCCTATGTGGATATTTTCTAT[CT>C]TTCGATCAGTAGTGTTATTCAGTGTTATTTGTATAGAGACCATCTTATCACCAAAAATGC-3'

ClinVar aggregate classification (germline): Pathogenic (1 of 4 stars; one submission).

Conditions:
Hermansky-Pudlak syndrome 2 (HPS2). Also called: Platelet defects and oculocutaneous albinism. Identifiers: Orphanet 183678, Orphanet 79430, MedGen C1842362, MONDO:0011997, OMIM 608233.

Submission:

Labcorp Genetics (formerly Invitae), Labcorp
Classification: Pathogenic for Hermansky-Pudlak syndrome 2. Last evaluated: 2020-11-17. Review status: criteria provided, single submitter. Criteria: Invitae Variant Classification Sherloc (09022015). Collection method: clinical testing. Allele origin: germline.
Comment: For these reasons, this variant has been classified as Pathogenic. This variant has not been reported in the literature in individuals with AP3B1-related conditions. This variant is not present in population databases (ExAC no frequency). This sequence change creates a premature translational stop signal (p.Lys913Argfs*2) in the AP3B1 gene. It is expected to result in an absent or disrupted protein product. Loss-of-function variants in AP3B1 are known to be pathogenic (PMID: 16507770, 23403622).

Literature cited by the submitters: PubMed 16507770; PubMed 23403622.